The following is an entry in ClinVar:

ClinVar aggregate classification (germline): Uncertain significance. Review status: criteria provided, multiple submitters, no conflicts (2 of 4 stars). 2 submissions from 2 submitters: Uncertain significance (2). Last evaluated 2025-08-12.

Conditions:
Inborn genetic diseases. Identifiers: MedGen C0950123, MeSH D030342.
Baller-Gerold syndrome (BGS). Also called: CRANIOSYNOSTOSIS WITH RADIAL DEFECTS. Identifiers: Orphanet 1225, MedGen C0265308, MONDO:0009039, OMIM 218600.

Allele frequency attached by ClinVar (database versions not stated): gnomAD exomes below 0.00001.

Submissions (2):

Ambry Genetics
Classification: Uncertain significance for Inborn genetic diseases. Last evaluated: 2025-08-12. Review status: criteria provided, single submitter. Criteria: Ambry Variant Classification Scheme 2023. Collection method: clinical testing. Allele origin: germline.
Comment: The p.E334D variant (also known as c.1002G>C), located in coding exon 5 of the RECQL4 gene, results from a G to C substitution at nucleotide position 1002. The glutamic acid at codon 334 is replaced by aspartic acid, an amino acid with highly similar properties. This amino acid position is conserved. In addition, this alteration is predicted to be tolerated by in silico analysis. Based on the available evidence, the clinical significance of this variant remains unclear.

Labcorp Genetics (formerly Invitae), Labcorp
Classification: Uncertain significance for Baller-Gerold syndrome. Last evaluated: 2023-10-09. Review status: criteria provided, single submitter. Criteria: Invitae Variant Classification Sherloc (09022015). Collection method: clinical testing. Allele origin: germline.
Comment: This sequence change replaces glutamic acid, which is acidic and polar, with aspartic acid, which is acidic and polar, at codon 334 of the RECQL4 protein (p.Glu334Asp). This variant is not present in population databases (gnomAD no frequency). This variant has not been reported in the literature in individuals affected with RECQL4-related conditions. Advanced modeling of protein sequence and biophysical properties (such as structural, functional, and spatial information, amino acid conservation, physicochemical variation, residue mobility, and thermodynamic stability) performed at Invitae indicates that this missense variant is not expected to disrupt RECQL4 protein function. In summary, the available evidence is currently insufficient to determine the role of this variant in disease. Therefore, it has been classified as a Variant of Uncertain Significance.

NM_004260.4(RECQL4):c.1002G>C (p.Glu334Asp)

Gene: RECQL4 (RecQ like helicase 4; minus strand). Cytogenetic location: 8q24.3.
Variant type: single nucleotide variant.
Coding change: c.1002G>C on transcript NM_004260.4 (MANE Select); coding-DNA position 1002, G replaced by C.
Protein change: p.Glu334Asp; replaces glutamic acid 334 with aspartic acid.
Molecular consequence: missense variant. On other transcripts: 5 prime UTR variant (16), non-coding transcript variant (3), intron variant (3).
Genome position (GRCh38, 1-based): chr8:144,516,117, C>G on the plus strand (G>C on the coding strand, the complement: RECQL4 is on the minus strand). VCF-style: chr8-144516117-C-G. GRCh37 (hg19) VCF-style: chr8-145741501-C-G.
Other names: c.1002G>C (NM_004260.3); c.1002G>C, p.Glu334Asp (NM_001413018.1, NM_001413019.1, NM_001413033.1 and 2 more transcripts); c.-70G>C (NM_001413021.1, NM_001413022.1, NM_001413023.1 and 7 more transcripts); c.873G>C, p.Glu291Asp (NM_001413025.1); c.-132G>C (NM_001413027.1, NM_001413030.1, NM_001413031.1 and 2 more transcripts); c.651G>C, p.Glu217Asp (NM_001413029.1); c.-339G>C (NM_001413043.1); c.954-48G>C (NM_001413017.1, NM_001413020.1); and 1 more; short protein forms E217D, E334D, E291D.
Identifiers: ClinVar variation 2723537 (VCV002723537.4), dbSNP rs2130718200, ClinGen allele CA372688362.
Genomic context (GRCh38, chr8:144,516,117, plus strand): 5'-TACGTAATTGCCCCTGTCATGGCGGGCCAGCCGAGGGAAGATGTGCAGGGGGGCTGTGCC[C>G]TCAGCCTTCCCAGCCCTAGCTTGACTGGAGGGGCTGAGTCCGTGGTACCTGGGGTTCGAT-3'
Protein context (NP_004251.4, residues 324-344): PSSQARAGKA[Glu334Asp]GTAPLHIFPR